The following is an entry in ClinVar:

ClinVar aggregate classification (germline): Uncertain significance (1 of 4 stars; one submission).

Conditions:
Cardiovascular phenotype. Identifiers: MedGen CN230736.

Submission:

Ambry Genetics
Classification: Uncertain significance for Cardiovascular phenotype. Last evaluated: 2026-01-09. Review status: criteria provided, single submitter. Criteria: Ambry Variant Classification Scheme 2023. Collection method: clinical testing. Allele origin: germline.
Comment: The p.Q297* variant (also known as c.889C>T), located in coding exon 8 of the VCL gene, results from a C to T substitution at nucleotide position 889. This changes the amino acid from a glutamine to a stop codon within coding exon 8. This alteration is expected to result in protein truncation or nonsense-mediated mRNA decay. However, loss of function has not been established as a mechanism of disease. Based on the available evidence, the clinical significance of this alteration remains unclear.

NM_014000.3(VCL):c.889C>T (p.Gln297Ter)

Gene: VCL (vinculin; plus strand). Cytogenetic location: 10q22.2.
Variant type: single nucleotide variant.
Coding change: c.889C>T on transcript NM_014000.3 (MANE Select); coding-DNA position 889, C replaced by T.
Protein change: p.Gln297Ter; replaces glutamine 297 with a stop codon.
Molecular consequence: nonsense.
Genome position (GRCh38, 1-based): chr10:74,083,380, C>T. VCF-style: chr10-74083380-C-T. GRCh37 (hg19) VCF-style: chr10-75843138-C-T.
Other names: c.889C>T, p.Gln297Ter (NM_003373.4); short protein forms Q297*.
Identifiers: ClinVar variation 2451022 (VCV002451022.3), dbSNP rs2549218975, ClinGen allele CA377270071.